The following is an entry in ClinVar:

ClinVar aggregate classification (germline): Uncertain significance (1 of 4 stars; one submission).

Conditions:
Primary ciliary dyskinesia. Also called: Ciliary dyskinesia. Identifiers: Orphanet 244, MedGen C0008780, MONDO:0016575, HP:0012265.

Allele frequency attached by ClinVar (database versions not stated): gnomAD 0.00001; gnomAD exomes 0.00001; TOPMed 0.00001; ExAC 0.00002; ESP Exome Variant Server 0.00008.
gnomAD v4.1: 9 of 1,607,388 alleles (0.00056%); highest among the groups gnomAD compares: East Asian, 0.0067%; no homozygotes.

Submission:

Labcorp Genetics (formerly Invitae), Labcorp
Classification: Uncertain significance for Primary ciliary dyskinesia. Last evaluated: 2019-07-12. Review status: criteria provided, single submitter. Criteria: Invitae Variant Classification Sherloc (09022015). Collection method: clinical testing. Allele origin: germline.
Comment: This sequence change replaces alanine with threonine at codon 36 of the CCDC103 protein (p.Ala36Thr). The alanine residue is highly conserved and there is a small physicochemical difference between alanine and threonine. This variant is present in population databases (rs376733810, ExAC 0.02%). This variant has not been reported in the literature in individuals with CCDC103-related conditions. Algorithms developed to predict the effect of missense changes on protein structure and function (SIFT, PolyPhen-2, Align-GVGD) all suggest that this variant is likely to be disruptive, but these predictions have not been confirmed by published functional studies and their clinical significance is uncertain. In summary, the available evidence is currently insufficient to determine the role of this variant in disease. Therefore, it has been classified as a Variant of Uncertain Significance.

NM_213607.3(DNAAF19):c.106G>A (p.Ala36Thr)

Gene: DNAAF19 (dynein axonemal assembly factor 19; plus strand). Cytogenetic location: 17q21.31.
Variant type: single nucleotide variant.
Coding change: c.106G>A on transcript NM_213607.3 (MANE Select); coding-DNA position 106, G replaced by A.
Protein change: p.Ala36Thr; replaces alanine 36 with threonine.
Molecular consequence: missense variant.
Genome position (GRCh38, 1-based): chr17:44,901,104, G>A. VCF-style: chr17-44901104-G-A. GRCh37 (hg19) VCF-style: chr17-42978472-G-A.
Other names: c.106G>A, p.Ala36Thr (NM_001258395.2, NM_001258396.2, NM_001258397.3 and 2 more transcripts); short protein forms A36T.
Identifiers: ClinVar variation 944709 (VCV000944709.1), dbSNP rs376733810, ClinGen allele CA8608270.